The following is an entry in ClinVar:

ClinVar aggregate classification (germline): Uncertain significance. Review status: criteria provided, multiple submitters, no conflicts (2 of 4 stars). 4 submissions from 4 submitters: Uncertain significance (3). 1 of the submissions does not count toward it. Last evaluated 2024-04-10.

Conditions:
Congenital myotonia, autosomal recessive form. Also called: Becker Generalized Myotonia; myotonia congenita, autosomal recessive; BECKER DISEASE. Identifiers: Orphanet 614, MedGen C0751360, MONDO:0009715, OMIM 255700.
Congenital myotonia, autosomal dominant form (THD). Also called: THOMSEN DISEASE; Myotonia congenita autosomal dominant. Identifiers: Orphanet 614, MedGen C2936781, MONDO:0008055, OMIM 160800.

Allele frequency attached by ClinVar (database versions not stated): ExAC 0.00001; gnomAD exomes 0.00002; gnomAD 0.00003 and 0.00004; TOPMed 0.00003.

Submissions (4):

Revvity Omics, Revvity
Classification: Uncertain significance. Last evaluated: 2024-04-10. Review status: criteria provided, single submitter. Criteria: ACMG Guidelines, 2015. Collection method: clinical testing. Allele origin: germline.

Labcorp Genetics (formerly Invitae), Labcorp
Classification: Uncertain significance for Congenital myotonia, autosomal recessive form; Congenital myotonia, autosomal dominant form. Last evaluated: 2024-04-06. Review status: criteria provided, single submitter. Criteria: Invitae Variant Classification Sherloc (09022015). Collection method: clinical testing. Allele origin: germline.
Comment: This sequence change replaces valine, which is neutral and non-polar, with isoleucine, which is neutral and non-polar, at codon 860 of the CLCN1 protein (p.Val860Ile). This variant is present in population databases (rs767209392, gnomAD 0.008%). This variant has not been reported in the literature in individuals affected with CLCN1-related conditions. ClinVar contains an entry for this variant (Variation ID: 202176). Advanced modeling of protein sequence and biophysical properties (such as structural, functional, and spatial information, amino acid conservation, physicochemical variation, residue mobility, and thermodynamic stability) has been performed at Invitae for this missense variant, however the output from this modeling did not meet the statistical confidence thresholds required to predict the impact of this variant on CLCN1 protein function. In summary, the available evidence is currently insufficient to determine the role of this variant in disease. Therefore, it has been classified as a Variant of Uncertain Significance.

Athena Diagnostics
Classification: Uncertain significance. Last evaluated: 2021-10-07. Review status: criteria provided, single submitter. Criteria: Athena Diagnostics Criteria. Collection method: clinical testing. Allele origin: unknown.

Mendelics
Classification: Uncertain significance for Congenital myotonia, autosomal dominant form. Last evaluated: 2016-05-13. Review status: no assertion criteria provided. Collection method: clinical testing. Allele origin: unknown. Affected: yes. Not counted in ClinVar's aggregate classification.

Literature cited by the submitters: PubMed 20301529 (cited by Mendelics); PubMed 18263754 (cited by Mendelics).

NM_000083.3(CLCN1):c.2578G>A (p.Val860Ile)

Gene: CLCN1 (chloride voltage-gated channel 1; plus strand). Cytogenetic location: 7q34.
Variant type: single nucleotide variant.
Coding change: c.2578G>A on transcript NM_000083.3 (MANE Select); coding-DNA position 2578, G replaced by A.
Protein change: p.Val860Ile; replaces valine 860 with isoleucine.
Molecular consequence: missense variant. On other transcripts: non-coding transcript variant (1).
Genome position (GRCh38, 1-based): chr7:143,350,637, G>A. VCF-style: chr7-143350637-G-A. GRCh37 (hg19) VCF-style: chr7-143047730-G-A.
Other names: short protein forms V860I.
Identifiers: ClinVar variation 202176 (VCV000202176.10), dbSNP rs767209392, ClinGen allele CA275467.
Genomic context (GRCh38, chr7:143,350,637, plus strand): 5'-CTGTTTTCACTCCTTGGCCTCCACCTCGCTTACGTGACCAGCATGGGGAAGCTCAGGGGC[G>A]TCCTGGCCCTGGAGGAGGTAATCACGATGTGTCCCATTTGAGCAGCAGGAGGGAGGCTGG-3'
Protein context (NP_000074.3, residues 850-870): YVTSMGKLRG[Val860Ile]LALEELQKAI